The following is an entry in ClinVar:

NM_014141.6(CNTNAP2):c.1145G>A (p.Ser382Asn)

Gene: CNTNAP2 (contactin associated protein 2; plus strand). Cytogenetic location: 7q35.
Variant type: single nucleotide variant.
Coding change: c.1145G>A on transcript NM_014141.6 (MANE Select); coding-DNA position 1145, G replaced by A.
Protein change: p.Ser382Asn; replaces serine 382 with asparagine.
Molecular consequence: missense variant.
Genome position (GRCh38, 1-based): chr7:147,132,306, G>A. VCF-style: chr7-147132306-G-A. GRCh37 (hg19) VCF-style: chr7-146829398-G-A.
Other names: p.S382N:AGT>AAT; short protein forms S382N.
Identifiers: ClinVar variation 205233 (VCV000205233.33), dbSNP rs371839994, ClinGen allele CA314100.

ClinVar aggregate classification (germline): Conflicting classifications of pathogenicity. Review status: criteria provided, conflicting classifications (1 of 4 stars). 10 submissions from 10 submitters: Uncertain significance (4); Benign (1); Likely benign (4). 1 of the submissions does not count toward it. Last evaluated 2026-01-28.

Conditions:
Inborn genetic diseases. Identifiers: MedGen C0950123, MeSH D030342.
Autism, susceptibility to, 15. Also called: Autism susceptibility 15. Identifiers: MedGen C2677504, MONDO:0012801, OMIM 612100.
Cortical dysplasia-focal epilepsy syndrome (PTHSL1). Also called: Pitt-Hopkins-like syndrome 1. Identifiers: Orphanet 163681, Orphanet 221150, MedGen C2750246, MONDO:0012400, OMIM 610042.
CNTNAP2-related disorder. Also called: CNTNAP2-related condition.

Allele frequency attached by ClinVar (database versions not stated): ESP Exome Variant Server 0.00008; gnomAD exomes 0.00019 and 0.00094; gnomAD 0.00030; TOPMed 0.00059; ExAC 0.00078.
gnomAD v4.1: 329 of 1,613,732 alleles (0.02%); highest among the groups gnomAD compares: Admixed American, 0.52%; no homozygotes.

Submissions (10):

Labcorp Genetics (formerly Invitae), Labcorp
Classification: Likely benign for Cortical dysplasia-focal epilepsy syndrome. Last evaluated: 2026-01-28. Review status: criteria provided, single submitter. Criteria: Invitae Variant Classification Sherloc (09022015). Collection method: clinical testing. Allele origin: germline.

Athena Diagnostics
Classification: Benign. Last evaluated: 2024-11-07. Review status: criteria provided, single submitter. Criteria: Athena Diagnostics Criteria. Collection method: clinical testing. Allele origin: unknown.

Mayo Clinic Laboratories, Mayo Clinic
Classification: Uncertain significance. Last evaluated: 2022-07-29. Review status: criteria provided, single submitter. Criteria: ACMG Guidelines, 2015. Collection method: clinical testing. Allele origin: germline. Observed: 1 variant allele.

Ambry Genetics
Classification: Likely benign for Inborn genetic diseases. Last evaluated: 2022-05-02. Review status: criteria provided, single submitter. Criteria: Ambry Variant Classification Scheme 2023. Collection method: clinical testing. Allele origin: germline.

GeneDx
Classification: Likely benign. Last evaluated: 2018-03-12. Review status: criteria provided, single submitter. Criteria: GeneDx Variant Classification (06012015). Collection method: clinical testing. Allele origin: germline. Affected: yes.
Comment: This variant is considered likely benign or benign based on one or more of the following criteria: it is a conservative change, it occurs at a poorly conserved position in the protein, it is predicted to be benign by multiple in silico algorithms, and/or has population frequency not consistent with disease.

Eurofins Ntd Llc (ga)
Classification: Likely benign. Last evaluated: 2017-09-28. Review status: criteria provided, single submitter. Criteria: EGL Classification Definitions 2015. Collection method: clinical testing. Allele origin: germline. Observed: 1 variant allele, 1 heterozygote.

Fulgent Genetics
Classification: Uncertain significance for Cortical dysplasia-focal epilepsy syndrome; Autism, susceptibility to, 15. Last evaluated: 2017-05-23. Review status: criteria provided, single submitter. Criteria: ACMG Guidelines, 2015. Collection method: clinical testing. Allele origin: unknown.

Genetic Services Laboratory, University of Chicago
Classification: Uncertain significance. Last evaluated: 2015-08-03. Review status: criteria provided, single submitter. Criteria: ACMG Guidelines, 2015. Collection method: clinical testing. Allele origin: germline.

Center for Genomics, Ann and Robert H. Lurie Children's Hospital of Chicago
Classification: Uncertain significance for Cortical dysplasia-focal epilepsy syndrome; Autism, susceptibility to, 15. Review status: criteria provided, single submitter. Criteria: ACMG Guidelines, 2015. Collection method: clinical testing. Allele origin: germline.
Comment: CNTNAP2 NM_014141 exon 8 p.Ser382Asn (c.1145G>A): This variant has not been reported in the literature but is is present in 0.7% (220/34350) of Latino alleles in the Genome Aggregation Database. This variant is present in ClinVar (Variation ID:205233). Evolutionary conservation and computational predictive tools suggest that this variant may impact the protein. In summary, data on this variant is insufficient for disease classification. Therefore, the clinical significance of this variant is uncertain.

PreventionGenetics, part of Exact Sciences
Classification: Likely benign for CNTNAP2-related condition. Last evaluated: 2024-02-26. Review status: no assertion criteria provided. Collection method: clinical testing. Allele origin: germline. Not counted in ClinVar's aggregate classification.
Comment: This variant is classified as likely benign based on ACMG/AMP sequence variant interpretation guidelines (Richards et al. 2015 PMID: 25741868, with internal and published modifications).

Literature cited by the submitters: PubMed 18179895 (cited by 3 submitters); PubMed 24807205 (cited by Athena Diagnostics and Ambry Genetics).